The following is an entry in ClinVar:

NM_032387.5(WNK4):c.3709G>A (p.Ala1237Thr)

Gene: WNK4 (WNK lysine deficient protein kinase 4; plus strand). Cytogenetic location: 17q21.2.
Variant type: single nucleotide variant.
Coding change: c.3709G>A on transcript NM_032387.5 (MANE Select); coding-DNA position 3709, G replaced by A.
Protein change: p.Ala1237Thr; replaces alanine 1237 with threonine.
Molecular consequence: missense variant.
Genome position (GRCh38, 1-based): chr17:42,796,558, G>A. VCF-style: chr17-42796558-G-A. GRCh37 (hg19) VCF-style: chr17-40948576-G-A.
Other names: c.2701G>A, p.Ala901Thr (NM_001321299.2); short protein forms A901T, A1237T.
Identifiers: ClinVar variation 3019630 (VCV003019630.3), dbSNP rs540144740, ClinGen allele CA399672838.

ClinVar aggregate classification (germline): Uncertain significance (1 of 4 stars; one submission).

gnomAD v4.1: 8 of 1,614,188 alleles (0.0005%); highest among the groups gnomAD compares: East Asian, 0.0022%; no homozygotes.

Submission:

Labcorp Genetics (formerly Invitae), Labcorp
Classification: Uncertain significance. Last evaluated: 2024-10-24. Review status: criteria provided, single submitter. Criteria: Invitae Variant Classification Sherloc (09022015). Collection method: clinical testing. Allele origin: germline.
Comment: This sequence change replaces alanine, which is neutral and non-polar, with threonine, which is neutral and polar, at codon 1237 of the WNK4 protein (p.Ala1237Thr). This variant is present in population databases (no rsID available, gnomAD 0.006%). This variant has not been reported in the literature in individuals affected with WNK4-related conditions. Invitae Evidence Modeling of protein sequence and biophysical properties (such as structural, functional, and spatial information, amino acid conservation, physicochemical variation, residue mobility, and thermodynamic stability) indicates that this missense variant is not expected to disrupt WNK4 protein function with a negative predictive value of 95%. In summary, the available evidence is currently insufficient to determine the role of this variant in disease. Therefore, it has been classified as a Variant of Uncertain Significance.